The following is an entry in ClinVar:

ClinVar aggregate classification (germline): Benign/Likely benign. Review status: criteria provided, multiple submitters, no conflicts (2 of 4 stars). 5 submissions from 5 submitters: Benign (1); Likely benign (3). 1 of the submissions does not count toward it. Last evaluated 2025-05-12.

Conditions:
GSN-related disorder. Also called: GSN-related condition.
Inborn genetic diseases. Identifiers: MedGen C0950123, MeSH D030342.
Finnish type amyloidosis. Also called: Lattice corneal dystrophy associated with familial systemic amyloidosis; Meretoja's syndrome; Lattice dystrophy of the cornea with hereditary generalized amyloidosis; AMYLOIDOSIS, HEREDITARY SYSTEMIC 4, FINNISH TYPE; AMYLOID CRANIAL NEUROPATHY WITH LATTICE CORNEAL DYSTROPHY; AMYLOIDOSIS DUE TO MUTANT GELSOLIN. Identifiers: Orphanet 85448, MedGen C1622345, MONDO:0007097, OMIM 105120.

Allele frequency attached by ClinVar (database versions not stated): ExAC 0.00013; gnomAD exomes 0.00013; TOPMed 0.00016; ESP Exome Variant Server 0.00031.
gnomAD v4.1: 257 of 1,613,932 alleles (0.016%); highest among the groups gnomAD compares: Admixed American, 0.023%; no homozygotes.

Submissions (5):

Labcorp Genetics (formerly Invitae), Labcorp
Classification: Likely benign. Last evaluated: 2025-05-12. Review status: criteria provided, single submitter. Criteria: Invitae Variant Classification Sherloc (09022015). Collection method: clinical testing. Allele origin: germline.

CeGaT Center for Human Genetics Tuebingen
Classification: Likely benign. Last evaluated: 2024-09-01. Review status: criteria provided, single submitter. Criteria: CeGaT Center For Human Genetics Tuebingen Variant Classification Criteria Version 2. Collection method: clinical testing. Allele origin: germline. Affected: yes. Observed: 1 variant allele.
Comment: GSN: BP4, BP7

Ambry Genetics
Classification: Likely benign for Inborn genetic diseases. Last evaluated: 2019-07-11. Review status: criteria provided, single submitter. Criteria: Ambry Variant Classification Scheme 2023. Collection method: clinical testing. Allele origin: germline.

Illumina Laboratory Services, Illumina
Classification: Benign for Finnish type amyloidosis. Last evaluated: 2018-01-12. Review status: criteria provided, single submitter. Criteria: ICSL Variant Classification Criteria 13 December 2019. Collection method: clinical testing. Allele origin: germline.
Comment: This variant was observed in the ICSL laboratory as part of a predisposition screen in an ostensibly healthy population. It had not been previously curated by ICSL or reported in the Human Gene Mutation Database (HGMD: prior to June 1st, 2018), and was therefore a candidate for classification through an automated scoring system. Utilizing variant allele frequency, disease prevalence and penetrance estimates, and inheritance mode, an automated score was calculated to assess if this variant is too frequent to cause the disease. Based on the score and internal cut-off values, a variant classified as benign is not then subjected to further curation. The score for this variant resulted in a classification of benign for this disease.

PreventionGenetics, part of Exact Sciences
Classification: Likely benign for GSN-related condition. Last evaluated: 2024-06-10. Review status: no assertion criteria provided. Collection method: clinical testing. Allele origin: germline. Not counted in ClinVar's aggregate classification.
Comment: This variant is classified as likely benign based on ACMG/AMP sequence variant interpretation guidelines (Richards et al. 2015 PMID: 25741868, with internal and published modifications).

NM_198252.3(GSN):c.1170C>T (p.Asp390=)

Gene: GSN (gelsolin; plus strand). Cytogenetic location: 9q33.2.
Variant type: single nucleotide variant.
Coding change: c.1170C>T on transcript NM_198252.3 (MANE Select); coding-DNA position 1170, C replaced by T.
Protein change: p.Asp390=; no amino-acid change (aspartic acid 390 retained).
Molecular consequence: synonymous variant.
Genome position (GRCh38, 1-based): chr9:121,318,859, C>T. VCF-style: chr9-121318859-C-T. GRCh37 (hg19) VCF-style: chr9-124081137-C-T.
Other names: c.1323C>T, p.Asp441= (NM_000177.5); c.1170C>T, p.Asp390= (NM_001127662.2, NM_001127664.2, NM_001127665.2 and 10 more transcripts); c.1278C>T, p.Asp426= (NM_001127663.2); c.1203C>T, p.Asp401= (NM_001127666.2, NM_001127667.2, NM_001353063.2 and 13 more transcripts); c.1221C>T, p.Asp407= (NM_001258029.2); c.1194C>T, p.Asp398= (NM_001258030.2); c.1242C>T, p.Asp414= (NM_001353076.2); c.516C>T, p.Asp172= (NM_001353078.2).
Identifiers: ClinVar variation 364809 (VCV000364809.30), dbSNP rs147583697, ClinGen allele CA5221157.